The following is an entry in ClinVar:

ClinVar aggregate classification (germline): Uncertain significance (1 of 4 stars; one submission).

Submission:

Labcorp Genetics (formerly Invitae), Labcorp
Classification: Uncertain significance. Last evaluated: 2025-06-03. Review status: criteria provided, single submitter. Criteria: Invitae Variant Classification Sherloc (09022015). Collection method: clinical testing. Allele origin: germline.
Comment: This sequence change replaces isoleucine, which is neutral and non-polar, with asparagine, which is neutral and polar, at codon 304 of the CACNA1B protein (p.Ile304Asn). This variant is not present in population databases (gnomAD no frequency). This variant has not been reported in the literature in individuals affected with CACNA1B-related conditions. Invitae Evidence Modeling of protein sequence and biophysical properties (such as structural, functional, and spatial information, amino acid conservation, physicochemical variation, residue mobility, and thermodynamic stability) indicates that this missense variant is not expected to disrupt CACNA1B protein function with a negative predictive value of 80%. In summary, the available evidence is currently insufficient to determine the role of this variant in disease. Therefore, it has been classified as a Variant of Uncertain Significance.

NM_000718.4(CACNA1B):c.911T>A (p.Ile304Asn)

Gene: CACNA1B (calcium voltage-gated channel subunit alpha1 B; plus strand). Cytogenetic location: 9q34.3.
Variant type: single nucleotide variant.
Coding change: c.911T>A on transcript NM_000718.4 (MANE Select); coding-DNA position 911, T replaced by A.
Protein change: p.Ile304Asn; replaces isoleucine 304 with asparagine.
Molecular consequence: missense variant.
Genome position (GRCh38, 1-based): chr9:137,917,376, T>A. VCF-style: chr9-137917376-T-A. GRCh37 (hg19) VCF-style: chr9-140811828-T-A.
Other names: c.911T>A, p.Ile304Asn (NM_001243812.2); short protein forms I304N.
Identifiers: ClinVar variation 4798352 (VCV004798352.1).